The following is an entry in ClinVar:

ClinVar aggregate classification (germline): Conflicting classifications of pathogenicity. Review status: criteria provided, conflicting classifications (1 of 4 stars). 5 submissions from 5 submitters: Pathogenic (1); Likely pathogenic (3); Uncertain significance (1). Last evaluated 2025-10-10.

Conditions:
PKD1-related disorder. Also called: PKD1-related condition.
Polycystic kidney disease, adult type (PKD1). Also called: Polycystic Kidney Disease 1, Autosomal Dominant; Polycystic kidney disease 1; Polycystic kidney disease 1, severe; Polycystic Kidney, Autosomal Dominant; POLYCYSTIC KIDNEY DISEASE, ADULT, TYPE I; POLYCYSTIC KIDNEY DISEASE 1 WITH OR WITHOUT POLYCYSTIC LIVER DISEASE. Identifiers: MedGen C3149841, MONDO:0008263, OMIM 173900.

Submissions (5):

PreventionGenetics, part of Exact Sciences
Classification: Likely pathogenic for PKD1-related condition. Last evaluated: 2025-10-10. Review status: criteria provided, single submitter. Criteria: ACMG Guidelines, 2015. Collection method: clinical testing. Allele origin: germline.
Comment: The PKD1 c.10958C>T variant is predicted to result in the amino acid substitution p.Ala3653Val. This variant has been repeatedly reported in individuals with polycystic kidney disease (Table S5, Audrézet et al. 2012. PubMed ID: 22508176; Table S3, Mallawaarachchi et al. 2021. PubMed ID: 33437033). This variant has not been reported in a large population database (gnomAD), indicating this variant is rare. This variant is interpreted as likely pathogenic.

Fulgent Genetics
Classification: Likely pathogenic for Polycystic kidney disease, adult type. Last evaluated: 2024-01-18. Review status: criteria provided, single submitter. Criteria: ACMG Guidelines, 2015. Collection method: clinical testing. Allele origin: germline.

GeneDx
Classification: Uncertain significance. Last evaluated: 2023-04-03. Review status: criteria provided, single submitter. Criteria: GeneDx Variant Classification Process June 2021. Collection method: clinical testing. Allele origin: germline. Affected: yes.
Comment: Not observed at significant frequency in large population cohorts (gnomAD); In silico analysis supports that this missense variant has a deleterious effect on protein structure/function; This variant is associated with the following publications: (PMID: 33437033, 23431072, 22508176)

CeGaT Center for Human Genetics Tuebingen
Classification: Pathogenic. Last evaluated: 2020-12-01. Review status: criteria provided, single submitter. Criteria: CeGaT Center For Human Genetics Tuebingen Variant Classification Criteria Version 2. Collection method: clinical testing. Allele origin: germline. Affected: yes. Observed: 2 variant alleles.

Molecular Genetics of Inherited Kidney Disorders Laboratory, Garvan Institute of Medical Research
Classification: Likely pathogenic for Polycystic kidney disease, adult type. Last evaluated: 2019-01-01. Review status: criteria provided, single submitter. Criteria: ACMG Guidelines, 2015. Collection method: clinical testing. Allele origin: germline. Affected: yes.
Comment: This Ala3653Val variant in PKD1 has previously been reported in a family with ADPKD phenotype, with one segregation (PMID: 22508176). The variant is absent from control datasets, in silico tools predict pathogenicity and it is identified in a family with a typical phenotype for ADPKD.

Literature cited by the submitters: PubMed 22508176 (cited by Molecular Genetics of Inherited Kidney Disorders Laboratory, Garvan Institute of Medical Research).

NM_001009944.3(PKD1):c.10958C>T (p.Ala3653Val)

Genes: PKD1 (polycystin 1, transient receptor potential channel interacting; minus strand), PKD1-AS1 (PKD1 antisense RNA 1; plus strand). Cytogenetic location: 16p13.3.
Variant type: single nucleotide variant.
Coding change: c.10958C>T on transcript NM_001009944.3 (MANE Select); coding-DNA position 10958, C replaced by T.
Protein change: p.Ala3653Val; replaces alanine 3653 with valine.
Molecular consequence: missense variant.
Genome position (GRCh38, 1-based): chr16:2,093,602, G>A on the plus strand (C>T on the coding strand, the complement: PKD1 is on the minus strand). VCF-style: chr16-2093602-G-A. GRCh37 (hg19) VCF-style: chr16-2143603-G-A.
Other names: c.10955C>T, p.Ala3652Val (NM_000296.4); short protein forms A3653V, A3652V.
Identifiers: ClinVar variation 916424 (VCV000916424.48), dbSNP rs1483214870, ClinGen allele CA394338761.
Genomic context (GRCh38, chr16:2,093,602, plus strand): 5'-ACCCGCAGCATGCCATGTAGCCTCTTGACCTTGCGGGCTTCTTCCTTGGCCAGGAAGAGT[G>A]CAAAGCCGTGGGGTGGCCGTACGCGGGGCACACGTGCGCTCACAGGCGTCACAGCCGGGC-3'
Protein context (NP_001009944.3, residues 3643-3663): VPRVRPPHGF[Ala3653Val]LFLAKEEARK